The following is an entry in ClinVar:

ClinVar aggregate classification (germline): Uncertain significance. Review status: criteria provided, multiple submitters, no conflicts (2 of 4 stars). 2 submissions from 2 submitters: Uncertain significance (2). Last evaluated 2024-05-15.

Conditions:
Baller-Gerold syndrome (BGS). Also called: CRANIOSYNOSTOSIS WITH RADIAL DEFECTS. Identifiers: Orphanet 1225, MedGen C0265308, MONDO:0009039, OMIM 218600.

Allele frequency attached by ClinVar (database versions not stated): gnomAD 0.00001; gnomAD exomes 0.00002; TOPMed 0.00002; ExAC 0.00003; 1000 Genomes Project 30x 0.00016; 1000 Genomes Project 0.00020.

Submissions (2):

Labcorp Genetics (formerly Invitae), Labcorp
Classification: Uncertain significance for Baller-Gerold syndrome. Last evaluated: 2024-05-15. Review status: criteria provided, single submitter. Criteria: Invitae Variant Classification Sherloc (09022015). Collection method: clinical testing. Allele origin: germline.
Comment: This sequence change replaces arginine, which is basic and polar, with glutamine, which is neutral and polar, at codon 182 of the RECQL4 protein (p.Arg182Gln). This variant is present in population databases (rs565903685, gnomAD 0.01%). This variant has not been reported in the literature in individuals affected with RECQL4-related conditions. ClinVar contains an entry for this variant (Variation ID: 459504). Advanced modeling of protein sequence and biophysical properties (such as structural, functional, and spatial information, amino acid conservation, physicochemical variation, residue mobility, and thermodynamic stability) performed at Invitae indicates that this missense variant is not expected to disrupt RECQL4 protein function with a negative predictive value of 80%. In summary, the available evidence is currently insufficient to determine the role of this variant in disease. Therefore, it has been classified as a Variant of Uncertain Significance.

GeneDx
Classification: Uncertain significance. Last evaluated: 2022-05-05. Review status: criteria provided, single submitter. Criteria: GeneDx Variant Classification Process June 2021. Collection method: clinical testing. Allele origin: germline. Affected: yes.
Comment: In silico analysis supports that this missense variant does not alter protein structure/function; Has not been previously published as pathogenic or benign to our knowledge

NM_004260.4(RECQL4):c.545G>A (p.Arg182Gln)

Gene: RECQL4 (RecQ like helicase 4; minus strand). Cytogenetic location: 8q24.3.
Variant type: single nucleotide variant.
Coding change: c.545G>A on transcript NM_004260.4 (MANE Select); coding-DNA position 545, G replaced by A.
Protein change: p.Arg182Gln; replaces arginine 182 with glutamine.
Molecular consequence: missense variant.
Genome position (GRCh38, 1-based): chr8:144,516,574, C>T on the plus strand (G>A on the coding strand, the complement: RECQL4 is on the minus strand). VCF-style: chr8-144516574-C-T. GRCh37 (hg19) VCF-style: chr8-145741958-C-T.
Other names: short protein forms R182Q.
Identifiers: ClinVar variation 459504 (VCV000459504.9), dbSNP rs565903685, ClinGen allele CA4949255.